The following is an entry in ClinVar:

NM_005051.3(QARS1):c.1669G>A (p.Val557Met)

Gene: QARS1 (glutaminyl-tRNA synthetase 1; minus strand). Cytogenetic location: 3p21.31.
Variant type: single nucleotide variant.
Coding change: c.1669G>A on transcript NM_005051.3 (MANE Select); coding-DNA position 1669, G replaced by A.
Protein change: p.Val557Met; replaces valine 557 with methionine.
Molecular consequence: missense variant. On other transcripts: non-coding transcript variant (1).
Genome position (GRCh38, 1-based): chr3:49,099,199, C>T on the plus strand (G>A on the coding strand, the complement: QARS1 is on the minus strand). VCF-style: chr3-49099199-C-T. GRCh37 (hg19) VCF-style: chr3-49136632-C-T.
Other names: c.1636G>A, p.Val546Met (NM_001272073.2); short protein forms V557M, V546M.
Identifiers: ClinVar variation 2916547 (VCV002916547.3), dbSNP rs1415130029, ClinGen allele CA352703911.

ClinVar aggregate classification (germline): Uncertain significance (1 of 4 stars; one submission).

Conditions:
Diffuse cerebral and cerebellar atrophy - intractable seizures - progressive microcephaly syndrome. Also called: Microcephaly, progressive, with seizures and cerebral and cerebellar atrophy. Identifiers: Orphanet 404437, MedGen C4014239, MONDO:0014335, OMIM 615760.

Allele frequency attached by ClinVar (database versions not stated): gnomAD exomes below 0.00001; gnomAD 0.00001; TOPMed 0.00001.

Submission:

Labcorp Genetics (formerly Invitae), Labcorp
Classification: Uncertain significance for Diffuse cerebral and cerebellar atrophy - intractable seizures - progressive microcephaly syndrome. Last evaluated: 2023-06-16. Review status: criteria provided, single submitter. Criteria: Invitae Variant Classification Sherloc (09022015). Collection method: clinical testing. Allele origin: germline.
Comment: In summary, the available evidence is currently insufficient to determine the role of this variant in disease. Therefore, it has been classified as a Variant of Uncertain Significance. Advanced modeling of protein sequence and biophysical properties (such as structural, functional, and spatial information, amino acid conservation, physicochemical variation, residue mobility, and thermodynamic stability) has been performed at Invitae for this missense variant, however the output from this modeling did not meet the statistical confidence thresholds required to predict the impact of this variant on QARS protein function. This variant has not been reported in the literature in individuals affected with QARS-related conditions. This variant is not present in population databases (gnomAD no frequency). This sequence change replaces valine, which is neutral and non-polar, with methionine, which is neutral and non-polar, at codon 557 of the QARS protein (p.Val557Met).